The following is an entry in ClinVar:

NM_182972.3(IRF2BP2):c.1034A>G (p.Asn345Ser)

Genes: IRF2BP2 (interferon regulatory factor 2 binding protein 2; minus strand), LOC129932810 (ATAC-STARR-seq lymphoblastoid active region 2760; plus strand). Cytogenetic location: 1q42.3.
Variant type: single nucleotide variant.
Coding change: c.1034A>G on transcript NM_182972.3 (MANE Select); coding-DNA position 1034, A replaced by G.
Protein change: p.Asn345Ser; replaces asparagine 345 with serine.
Molecular consequence: missense variant. On other transcripts: intron variant (1).
Genome position (GRCh38, 1-based): chr1:234,608,461, T>C on the plus strand (A>G on the coding strand, the complement: IRF2BP2 is on the minus strand). VCF-style: chr1-234608461-T-C. GRCh37 (hg19) VCF-style: chr1-234744207-T-C.
Other names: c.1000+34A>G (NM_001077397.1); c.1034A>G (NM_182972.2); short protein forms N345S.
Identifiers: ClinVar variation 1371866 (VCV001371866.9), dbSNP rs139174491, ClinGen allele CA1461694.
Genomic context (GRCh38, chr1:234,608,461, plus strand): 5'-GTCCCCTTTTCTCCCCTAGACCCCCTCACTTCACAGCCGCCCCTACCTGCTTTAGACCCG[T>C]TGGCCCCGTTGGCCTCGAAACCCAACAACCTGCCTGCAGTCAGGGCCGGCTCCTTCTTAA-3'
Protein context (NP_892017.2, residues 335-355): RLLGFEANGA[Asn345Ser]GSKAVARTAR

ClinVar aggregate classification (germline): Uncertain significance. Review status: criteria provided, multiple submitters, no conflicts (2 of 4 stars). 3 submissions from 3 submitters: Uncertain significance (3). Last evaluated 2026-01-05.

Conditions:
IRF2BP2-related disorder. Also called: IRF2BP2-related condition.

Allele frequency attached by ClinVar (database versions not stated): gnomAD exomes 0.00002 and 0.00006; ExAC 0.00011; gnomAD 0.00024; TOPMed 0.00031; ESP Exome Variant Server 0.00038; 1000 Genomes Project 0.00040.
gnomAD v4.1: 69 of 1,585,388 alleles (0.0044%); highest among the groups gnomAD compares: African/African-American, 0.084%; no homozygotes.

Submissions (3):

PreventionGenetics, part of Exact Sciences
Classification: Uncertain significance for IRF2BP2-related condition. Last evaluated: 2026-01-05. Review status: criteria provided, single submitter. Criteria: ACMG Guidelines, 2015. Collection method: clinical testing. Allele origin: germline.
Comment: The IRF2BP2 c.1034A>G variant is predicted to result in the amino acid substitution p.Asn345Ser. To our knowledge, this variant has not been reported in the literature. This variant is reported in 0.079% of alleles in individuals of African descent in gnomAD, which may be too common to be causative. Although we suspect that this variant may be benign, at this time, the clinical significance of this variant is uncertain due to the absence of conclusive functional and genetic evidence.

Labcorp Genetics (formerly Invitae), Labcorp
Classification: Uncertain significance. Last evaluated: 2025-12-25. Review status: criteria provided, single submitter. Criteria: Invitae Variant Classification Sherloc (09022015). Collection method: clinical testing. Allele origin: germline.
Comment: This sequence change replaces asparagine, which is neutral and polar, with serine, which is neutral and polar, at codon 345 of the IRF2BP2 protein (p.Asn345Ser). This variant is present in population databases (rs139174491, gnomAD 0.07%), and has an allele count higher than expected for a pathogenic variant. This variant has not been reported in the literature in individuals affected with IRF2BP2-related conditions. ClinVar contains an entry for this variant (Variation ID: 1371866). An algorithm developed to predict the effect of missense changes on protein structure and function (PolyPhen-2) suggests that this variant is likely to be tolerated. In summary, the available evidence is currently insufficient to determine the role of this variant in disease. Therefore, it has been classified as a Variant of Uncertain Significance.

Ambry Genetics
Classification: Uncertain significance. Last evaluated: 2024-11-21. Review status: criteria provided, single submitter. Criteria: Ambry Variant Classification Scheme 2023. Collection method: clinical testing. Allele origin: germline.